The following is an entry in ClinVar:

NM_003579.4(RAD54L):c.610A>G (p.Ser204Gly)

Gene: RAD54L (RAD54 like; plus strand). Cytogenetic location: 1p34.1.
Variant type: single nucleotide variant.
Coding change: c.610A>G on transcript NM_003579.4 (MANE Select); coding-DNA position 610, A replaced by G.
Protein change: p.Ser204Gly; replaces serine 204 with glycine.
Molecular consequence: missense variant.
Genome position (GRCh38, 1-based): chr1:46,260,859, A>G. VCF-style: chr1-46260859-A-G. GRCh37 (hg19) VCF-style: chr1-46726531-A-G.
Other names: c.610A>G, p.Ser204Gly (NM_001142548.2); c.70A>G, p.Ser24Gly (NM_001370766.1); short protein forms S24G, S204G.
Identifiers: ClinVar variation 2562783 (VCV002562783.2), dbSNP rs1229173246, ClinGen allele CA340186575.

ClinVar aggregate classification (germline): Uncertain significance (1 of 4 stars; one submission).

Submission:

Ambry Genetics
Classification: Uncertain significance. Last evaluated: 2023-03-22. Review status: criteria provided, single submitter. Criteria: Ambry Variant Classification Scheme 2023. Collection method: clinical testing. Allele origin: germline.
Comment: The p.S204G variant (also known as c.610A>G), located in coding exon 7 of the RAD54L gene, results from an A to G substitution at nucleotide position 610. The serine at codon 204 is replaced by glycine, an amino acid with similar properties. This amino acid position is conserved. In addition, the in silico prediction for this alteration is inconclusive. Since supporting evidence is limited at this time, the clinical significance of this alteration remains unclear.